The following is an entry in ClinVar:

ClinVar aggregate classification (germline): Conflicting classifications of pathogenicity. Review status: criteria provided, conflicting classifications (1 of 4 stars). 4 submissions from 4 submitters: Likely pathogenic (1); Uncertain significance (2). 1 of the submissions does not count toward it. Last evaluated 2024-01-04.

Conditions:
Brody myopathy. Also called: BRODY DISEASE. Identifiers: Orphanet 53347, MedGen C1832918, MONDO:0010977, OMIM 601003.

Allele frequency attached by ClinVar (database versions not stated): ExAC 0.00001; gnomAD 0.00001; gnomAD exomes 0.00001; TOPMed 0.00001; 1000 Genomes Project 30x 0.00016; 1000 Genomes Project 0.00020.
gnomAD v4.1: 5 of 1,614,030 alleles (0.00031%); highest among the groups gnomAD compares: Admixed American, 0.0083%; no homozygotes.

Submissions (4):

Labcorp Genetics (formerly Invitae), Labcorp
Classification: Uncertain significance for Brody myopathy. Last evaluated: 2024-01-04. Review status: criteria provided, single submitter. Criteria: Invitae Variant Classification Sherloc (09022015). Collection method: clinical testing. Allele origin: germline.
Comment: This sequence change affects codon 429 of the ATP2A1 mRNA. It is a 'silent' change, meaning that it does not change the encoded amino acid sequence of the ATP2A1 protein. RNA analysis indicates that this variant induces altered splicing and may result in an absent or disrupted protein product. This variant is present in population databases (rs200596448, gnomAD 0.006%). This variant has been observed in individual(s) with clinical features of Brody myopathy (PMID: 30688039). ClinVar contains an entry for this variant (Variation ID: 546520). Variants that disrupt the consensus splice site are a relatively common cause of aberrant splicing (PMID: 17576681, 9536098). Studies have shown that this variant results in skipping of exon 11 and introduces a premature termination codon (PMID: 30688039). The resulting mRNA is expected to undergo nonsense-mediated decay. In summary, the available evidence is currently insufficient to determine the role of this variant in disease. Therefore, it has been classified as a Variant of Uncertain Significance.

GeneDx
Classification: Uncertain significance. Last evaluated: 2018-05-22. Review status: criteria provided, single submitter. Criteria: GeneDx Variant Classification (06012015). Collection method: clinical testing. Allele origin: germline. Affected: yes.
Comment: The c.1287 G>A variant has not been published as a pathogenic variant, nor has it been reported as a benign variant to our knowledge. The c.1287 G>A variant is not observed in large population cohorts (Lek et al., 2016). Several in silico splice prediction models predict that c.1287 G>A damages the natural splice donor site of intron 11 which may lead to abnormal gene splicing. However, in the absence of RNA/functional studies, the actual effect of this sequence change in this individual is unknown. Therefore, based on the currently available information, it is unclear whether this variant is a pathogenic variant or a rare benign variant.

Clinical Genetics Service, Universitary Hospital 12 de Octubre
Classification: Likely pathogenic for Brody myopathy. Review status: criteria provided, single submitter. Criteria: ACMG Guidelines, 2015. Collection method: clinical testing. Allele origin: germline. Affected: yes.

OMIM
Classification: Pathogenic for BRODY DISEASE. Last evaluated: 2022-01-26. Review status: no assertion criteria provided. Collection method: literature only. Allele origin: germline. Not counted in ClinVar's aggregate classification.

Literature cited by the submitters: PubMed 30688039 (cited by Labcorp Genetics (formerly Invitae), Labcorp and OMIM); PubMed 17576681 (cited by Labcorp Genetics (formerly Invitae), Labcorp); PubMed 9536098 (cited by Labcorp Genetics (formerly Invitae), Labcorp).

NM_004320.6(ATP2A1):c.1287G>A (p.Glu429=)

Gene: ATP2A1 (ATPase sarcoplasmic/endoplasmic reticulum Ca2+ transporting 1; plus strand). Cytogenetic location: 16p11.2.
Variant type: single nucleotide variant.
Coding change: c.1287G>A on transcript NM_004320.6 (MANE Select); coding-DNA position 1287, G replaced by A.
Protein change: p.Glu429=; no amino-acid change (glutamic acid 429 retained).
Molecular consequence: synonymous variant.
Genome position (GRCh38, 1-based): chr16:28,894,607, G>A. VCF-style: chr16-28894607-G-A. GRCh37 (hg19) VCF-style: chr16-28905928-G-A.
Other names: c.912G>A, p.Glu304= (NM_001286075.2); c.1287G>A, p.Glu429= (NM_173201.5).
Identifiers: ClinVar variation 546520 (VCV000546520.6), dbSNP rs200596448, ClinGen allele CA7986907.